The following is an entry in ClinVar:

ClinVar aggregate classification (germline): Uncertain significance (1 of 4 stars; one submission).

Conditions:
PCNT-related disorder. Also called: PCNT-related condition.

gnomAD v4.1: 15 of 1,613,402 alleles (0.00093%); highest among the groups gnomAD compares: African/African-American, 0.004%; no homozygotes.

Submission:

PreventionGenetics, part of Exact Sciences
Classification: Uncertain significance for PCNT-related condition. Last evaluated: 2024-11-15. Review status: criteria provided, single submitter. Criteria: ACMG Guidelines, 2015. Collection method: clinical testing. Allele origin: germline.
Comment: The PCNT c.3127G>A variant is predicted to result in the amino acid substitution p.Ala1043Thr. To our knowledge, this variant has not been reported in the literature. This variant is reported in 0.0063% of alleles in individuals of African descent in gnomAD. At this time, the clinical significance of this variant is uncertain due to the absence of conclusive functional and genetic evidence.

NM_006031.6(PCNT):c.3127G>A (p.Ala1043Thr)

Gene: PCNT (pericentrin; plus strand). Cytogenetic location: 21q22.3.
Variant type: single nucleotide variant.
Coding change: c.3127G>A on transcript NM_006031.6 (MANE Select); coding-DNA position 3127, G replaced by A.
Protein change: p.Ala1043Thr; replaces alanine 1043 with threonine.
Molecular consequence: missense variant.
Genome position (GRCh38, 1-based): chr21:46,367,101, G>A. VCF-style: chr21-46367101-G-A. GRCh37 (hg19) VCF-style: chr21-47787016-G-A.
Other names: c.2773G>A, p.Ala925Thr (NM_001315529.2); short protein forms A925T, A1043T.
Identifiers: ClinVar variation 4987167 (VCV004987167.1).